The following is an entry in ClinVar:

NM_004006.3(DMD):c.5922+5G>T

Gene: DMD (dystrophin; minus strand). Cytogenetic location: Xp21.1.
Variant type: single nucleotide variant.
Coding change: c.5922+5G>T on transcript NM_004006.3 (MANE Select); 5 bases into the intron after coding-DNA position 5922, G replaced by T.
Molecular consequence: intron variant.
Genome position (GRCh38, 1-based): chrX:32,342,095, C>A on the plus strand (G>T on the coding strand, the complement: DMD is on the minus strand). VCF-style: chrX-32342095-C-A. GRCh37 (hg19) VCF-style: chrX-32360212-C-A.
Other names: c.5898+5G>T (NM_000109.4); c.1899+5G>T (NM_004011.4); c.1890+5G>T (NM_004012.4); c.5910+5G>T (NM_004009.3); c.5553+5G>T (NM_004010.3).
Identifiers: ClinVar variation 641479 (VCV000641479.7), dbSNP rs1603631217, ClinGen allele CA915950920.
Genomic context (GRCh38, chrX:32,342,095, plus strand): 5'-AGTAGGCCTCTGTTAATAGAGTAGTAGTTGCAAACACATACGTGGGTTTGCCAGTAACAA[C>A]TCACAATTTGTGCAAAGTTGAGTCTTCGAAACTGAGCAAATTTGCTCTCAATTTCCCGCC-3'

ClinVar aggregate classification (germline): Uncertain significance (1 of 4 stars; one submission).

Conditions:
Duchenne muscular dystrophy (DMD). Also called: MUSCULAR DYSTROPHY, PSEUDOHYPERTROPHIC PROGRESSIVE, DUCHENNE TYPE; Duchenne Muscular Dystrophy (DMD). Identifiers: Orphanet 98896, MedGen C0013264, MONDO:0010679, OMIM 310200.

Submission:

Labcorp Genetics (formerly Invitae), Labcorp
Classification: Uncertain significance for Duchenne muscular dystrophy. Last evaluated: 2022-11-01. Review status: criteria provided, single submitter. Criteria: Invitae Variant Classification Sherloc (09022015). Collection method: clinical testing. Allele origin: germline.
Comment: In summary, the available evidence is currently insufficient to determine the role of this variant in disease. Therefore, it has been classified as a Variant of Uncertain Significance. Variants that disrupt the consensus splice site are a relatively common cause of aberrant splicing (PMID: 17576681, 9536098). Algorithms developed to predict the effect of sequence changes on RNA splicing suggest that this variant may disrupt the consensus splice site. ClinVar contains an entry for this variant (Variation ID: 641479). This variant has not been reported in the literature in individuals affected with DMD-related conditions. This variant is not present in population databases (gnomAD no frequency). This sequence change falls in intron 41 of the DMD gene. It does not directly change the encoded amino acid sequence of the DMD protein. It affects a nucleotide within the consensus splice site.

Literature cited by the submitters: PubMed 17576681; PubMed 9536098.